The following is an entry in ClinVar:

ClinVar aggregate classification (germline): Pathogenic/Likely pathogenic. Review status: criteria provided, multiple submitters, no conflicts (2 of 4 stars). 2 submissions from 2 submitters: Pathogenic (1); Likely pathogenic (1). Last evaluated 2024-08-23.

Conditions:
Microcephaly, normal intelligence and immunodeficiency (NBS). Also called: IMMUNODEFICIENCY, MICROCEPHALY, AND CHROMOSOMAL INSTABILITY; SEEMANOVA SYNDROME II; Nijmegen breakage syndrome; Microcephaly with normal intelligence immunodeficiency and lymphoreticular malignancies; Nonsyndromal microcephaly autosomal recessive with normal intelligence; Seemanova syndrome 2. Identifiers: Orphanet 647, MedGen C0398791, MONDO:0009623, OMIM 251260.

Submissions (2):

Natera, Inc.
Classification: Likely pathogenic for Nijmegen breakage syndrome. Last evaluated: 2024-08-23. Review status: criteria provided, single submitter. Criteria: Natera Variant Classification Schema (03/2026). Collection method: clinical testing. Allele origin: germline.
Comment: The c.2173C>T variant in NBN is a nonsense variant predicted to introduce a stop codon at amino acid 725. This variant is expected to result in nonsense mediated decay, truncation, or a dysfunctional protein product. This variant is rare in the general population with a frequency below the threshold expected for the associated phenotype(s). Given the available evidence, this variant is classified as Likely Pathogenic.

Labcorp Genetics (formerly Invitae), Labcorp
Classification: Pathogenic for Microcephaly, normal intelligence and immunodeficiency. Last evaluated: 2021-10-06. Review status: criteria provided, single submitter. Criteria: Invitae Variant Classification Sherloc (09022015). Collection method: clinical testing. Allele origin: germline.
Comment: This variant is not present in population databases (ExAC no frequency). For these reasons, this variant has been classified as Pathogenic. Loss-of-function variants in NBN are known to be pathogenic (PMID: 9590180, 16415040). This variant has not been reported in the literature in individuals with NBN-related conditions. This sequence change creates a premature translational stop signal (p.Gln725*) in the NBN gene. It is expected to result in an absent or disrupted protein product.

Literature cited by the submitters: PubMed 9590180 (cited by Labcorp Genetics (formerly Invitae), Labcorp); PubMed 16415040 (cited by Labcorp Genetics (formerly Invitae), Labcorp).

NM_002485.5(NBN):c.2173C>T (p.Gln725Ter)

Gene: NBN (nibrin; minus strand). Cytogenetic location: 8q21.3.
Variant type: single nucleotide variant.
Coding change: c.2173C>T on transcript NM_002485.5 (MANE Select); coding-DNA position 2173, C replaced by T.
Protein change: p.Gln725Ter; replaces glutamine 725 with a stop codon.
Molecular consequence: nonsense.
Genome position (GRCh38, 1-based): chr8:89,943,264, G>A on the plus strand (C>T on the coding strand, the complement: NBN is on the minus strand). VCF-style: chr8-89943264-G-A. GRCh37 (hg19) VCF-style: chr8-90955492-G-A.
Other names: c.1927C>T, p.Gln643Ter (NM_001024688.3); short protein forms Q643*, Q725*.
Identifiers: ClinVar variation 864166 (VCV000864166.8), dbSNP rs1810030774, ClinGen allele CA371675305.